The following is an entry in ClinVar:

ClinVar aggregate classification (germline): Conflicting classifications of pathogenicity. Review status: criteria provided, conflicting classifications (1 of 4 stars). 3 submissions from 3 submitters: Uncertain significance (2); Likely benign (1). Last evaluated 2025-12-08.

Conditions:
Intellectual disability, autosomal recessive 42 (NEDDSBA). Also called: GLYCOSYLPHOSPHATIDYLINOSITOL BIOSYNTHESIS DEFECT 9; Neurodevelopmental disorder with dysmorphic features, spasticity, and brain abnormalities. Identifiers: Orphanet 88616, MedGen C4014343, MONDO:0014348, OMIM 615802.

Allele frequency attached by ClinVar (database versions not stated): gnomAD exomes 0.00006 and 0.00019; ExAC 0.00026; 1000 Genomes Project 30x 0.00031; 1000 Genomes Project 0.00040; gnomAD 0.00076 and 0.00081; TOPMed 0.00076; ESP Exome Variant Server 0.00077.
gnomAD v4.1: 205 of 1,587,500 alleles (0.013%); highest among the groups gnomAD compares: African/African-American, 0.25%; no homozygotes.

Submissions (3):

Labcorp Genetics (formerly Invitae), Labcorp
Classification: Likely benign for Intellectual disability, autosomal recessive 42. Last evaluated: 2025-12-08. Review status: criteria provided, single submitter. Criteria: Invitae Variant Classification Sherloc (09022015). Collection method: clinical testing. Allele origin: germline.

GeneDx
Classification: Uncertain significance. Last evaluated: 2024-07-24. Review status: criteria provided, single submitter. Criteria: GeneDx Variant Classification Process June 2021. Collection method: clinical testing. Allele origin: germline. Affected: yes.
Comment: In silico analysis indicates that this missense variant does not alter protein structure/function; Has not been previously published as pathogenic or benign to our knowledge

Baylor Genetics
Classification: Uncertain significance for Intellectual disability, autosomal recessive 42. Last evaluated: 2018-01-13. Review status: criteria provided, single submitter. Criteria: ACMG Guidelines, 2015. Collection method: clinical testing. Allele origin: maternal. Affected: yes.
Comment: This variant was determined to be of uncertain significance according to ACMG Guidelines, 2015 [PMID:25741868].

NM_024989.4(PGAP1):c.2287G>A (p.Val763Ile)

Gene: PGAP1 (post-GPI attachment to proteins inositol deacylase 1; minus strand). Cytogenetic location: 2q33.1.
Variant type: single nucleotide variant.
Coding change: c.2287G>A on transcript NM_024989.4 (MANE Select); coding-DNA position 2287, G replaced by A.
Protein change: p.Val763Ile; replaces valine 763 with isoleucine.
Molecular consequence: missense variant.
Genome position (GRCh38, 1-based): chr2:196,844,574, C>T on the plus strand (G>A on the coding strand, the complement: PGAP1 is on the minus strand). VCF-style: chr2-196844574-C-T. GRCh37 (hg19) VCF-style: chr2-197709298-C-T.
Other names: c.1765G>A, p.Val589Ile (NM_001321099.2); c.1120G>A, p.Val374Ile (NM_001321100.2); short protein forms V374I, V589I, V763I.
Identifiers: ClinVar variation 705025 (VCV000705025.15), dbSNP rs143960563, ClinGen allele CA2040667.